The following is an entry in ClinVar:

NM_014915.3(ANKRD26):c.2335C>G (p.His779Asp)

Gene: ANKRD26 (ankyrin repeat domain 26; minus strand). Cytogenetic location: 10p12.1.
Variant type: single nucleotide variant.
Coding change: c.2335C>G on transcript NM_014915.3 (MANE Select); coding-DNA position 2335, C replaced by G.
Protein change: p.His779Asp; replaces histidine 779 with aspartic acid.
Molecular consequence: missense variant.
Genome position (GRCh38, 1-based): chr10:27,040,005, G>C on the plus strand (C>G on the coding strand, the complement: ANKRD26 is on the minus strand). VCF-style: chr10-27040005-G-C. GRCh37 (hg19) VCF-style: chr10-27328934-G-C.
Other names: c.2332C>G, p.His778Asp (NM_001256053.2); short protein forms H778D, H779D.
Identifiers: ClinVar variation 2170047 (VCV002170047.5), dbSNP rs200286674, ClinGen allele CA5448250.
Genomic context (GRCh38, chr10:27,040,005, plus strand): 5'-TTAAAACTAGGCTATCATACCTCAAAGAGCACAGTTCTCGTTCCCATTCAACTTTTTGAT[G>C]CTCTAACTGTGATTTTATTTCTTTTGTTTCAGATAGCTCCCTTTGTAGTACATTAACCTT-3'
Protein context (NP_055730.2, residues 769-789): ETKEIKSQLE[His779Asp]QKVEWERELC

ClinVar aggregate classification (germline): Uncertain significance. Review status: criteria provided, multiple submitters, no conflicts (2 of 4 stars). 2 submissions from 2 submitters: Uncertain significance (2). Last evaluated 2024-06-11.

Allele frequency attached by ClinVar (database versions not stated): ExAC 0.00002; gnomAD 0.00002; gnomAD exomes 0.00002; TOPMed 0.00004.
gnomAD v4.1: 36 of 1,613,578 alleles (0.0022%); highest among the groups gnomAD compares: Non-Finnish European, 0.00059%; no homozygotes.

Submissions (2):

Labcorp Genetics (formerly Invitae), Labcorp
Classification: Uncertain significance. Last evaluated: 2024-06-11. Review status: criteria provided, single submitter. Criteria: Invitae Variant Classification Sherloc (09022015). Collection method: clinical testing. Allele origin: germline.
Comment: This sequence change replaces histidine, which is basic and polar, with aspartic acid, which is acidic and polar, at codon 779 of the ANKRD26 protein (p.His779Asp). This variant is present in population databases (rs200286674, gnomAD 0.07%). This variant has not been reported in the literature in individuals affected with ANKRD26-related conditions. ClinVar contains an entry for this variant (Variation ID: 2170047). An algorithm developed to predict the effect of missense changes on protein structure and function (PolyPhen-2) suggests that this variant is likely to be disruptive. In summary, the available evidence is currently insufficient to determine the role of this variant in disease. Therefore, it has been classified as a Variant of Uncertain Significance.

GeneDx
Classification: Uncertain significance. Last evaluated: 2023-07-05. Review status: criteria provided, single submitter. Criteria: GeneDx Variant Classification Process June 2021. Collection method: clinical testing. Allele origin: germline. Affected: yes.
Comment: In silico analysis supports that this missense variant has a deleterious effect on protein structure/function; Has not been previously published as pathogenic or benign to our knowledge